The following is an entry in ClinVar:

NM_000071.3(CBS):c.340G>T (p.Ala114Ser)

Gene: CBS (cystathionine beta-synthase; minus strand). Cytogenetic location: 21q22.3.
Variant type: single nucleotide variant.
Coding change: c.340G>T on transcript NM_000071.3 (MANE Select); coding-DNA position 340, G replaced by T.
Protein change: p.Ala114Ser; replaces alanine 114 with serine.
Molecular consequence: missense variant.
Genome position (GRCh38, 1-based): chr21:43,066,354, C>A on the plus strand (G>T on the coding strand, the complement: CBS is on the minus strand). VCF-style: chr21-43066354-C-A. GRCh37 (hg19) VCF-style: chr21-44486464-C-A.
Other names: c.340G>T, p.Ala114Ser (NM_001178008.3, NM_001178009.3, NM_001320298.2); c.25G>T, p.Ala9Ser (NM_001321072.1); short protein forms A114S, A9S.
Identifiers: ClinVar variation 1522679 (VCV001522679.8), dbSNP rs377708532, ClinGen allele CA321097892.

ClinVar aggregate classification (germline): Likely pathogenic (1 of 4 stars; one submission).

Conditions:
HYPERHOMOCYSTEINEMIA, THROMBOTIC, CBS-RELATED. Identifiers: MedGen C3150344, OMIM 236200.

Allele frequency attached by ClinVar (database versions not stated): ExAC 0.00002.

Submission:

Labcorp Genetics (formerly Invitae), Labcorp
Classification: Likely pathogenic for HYPERHOMOCYSTEINEMIA, THROMBOTIC, CBS-RELATED. Last evaluated: 2025-01-20. Review status: criteria provided, single submitter. Criteria: Invitae Variant Classification Sherloc (09022015). Collection method: clinical testing. Allele origin: germline.
Comment: This sequence change replaces alanine, which is neutral and non-polar, with serine, which is neutral and polar, at codon 114 of the CBS protein (p.Ala114Ser). This variant is present in population databases (rs377708532, gnomAD 0.009%). This variant has not been reported in the literature in individuals affected with CBS-related conditions. ClinVar contains an entry for this variant (Variation ID: 1522679). Invitae Evidence Modeling of protein sequence and biophysical properties (such as structural, functional, and spatial information, amino acid conservation, physicochemical variation, residue mobility, and thermodynamic stability) indicates that this missense variant is expected to disrupt CBS protein function with a positive predictive value of 95%. This variant disrupts the p.Ala114 amino acid residue in CBS. Other variant(s) that disrupt this residue have been determined to be pathogenic (PMID: 7762555, 8353501, 20490928, 20506325, 22069143, 22267502, 22612060). This suggests that this residue is clinically significant, and that variants that disrupt this residue are likely to be disease-causing. In summary, the currently available evidence indicates that the variant is pathogenic, but additional data are needed to prove that conclusively. Therefore, this variant has been classified as Likely Pathogenic.

Literature cited by the submitters: PubMed 7762555; PubMed 8353501; PubMed 20490928; PubMed 20506325; PubMed 22069143; PubMed 22267502; PubMed 22612060.